The following is an entry in ClinVar:

ClinVar aggregate classification (germline): Pathogenic. Review status: reviewed by expert panel (3 of 4 stars). 2 submissions from 2 submitters: Pathogenic (1). 1 of the submissions does not count toward it. Last evaluated 2016-10-18.

Conditions:
Breast-ovarian cancer, familial, susceptibility to, 2 (BROVCA2). Also called: BRCA2 Hereditary Breast and Ovarian Cancer. Identifiers: Orphanet 145, MedGen C2675520, MONDO:0012933, OMIM 612555. Disease mechanism: loss of function.

Submissions (2):

Evidence-based Network for the Interpretation of Germline Mutant Alleles (ENIGMA)
Classification: Pathogenic for Breast-ovarian cancer, familial, susceptibility to, 2. Last evaluated: 2016-10-18. Review status: reviewed by expert panel. Criteria: ENIGMA BRCA1/2 Classification Criteria (2015). Collection method: curation. Allele origin: germline.
Comment: Variant allele predicted to encode a truncated non-functional protein.

Consortium of Investigators of Modifiers of BRCA1/2 (CIMBA), c/o University of Cambridge
Classification: Pathogenic for Breast-ovarian cancer, familial, susceptibility to, 2. Last evaluated: 2015-10-02. Review status: criteria provided, single submitter. Criteria: CIMBA Mutation Classification guidelines May 2016. Collection method: clinical testing. Allele origin: germline. Not counted in ClinVar's aggregate classification.

NM_000059.4(BRCA2):c.110C>A (p.Ser37Ter)

Gene: BRCA2 (BRCA2 DNA repair associated; plus strand). Cytogenetic location: 13q13.1.
Variant type: single nucleotide variant.
Coding change: c.110C>A on transcript NM_000059.4 (MANE Select); coding-DNA position 110, C replaced by A.
Protein change: p.Ser37Ter; replaces serine 37 with a stop codon.
Molecular consequence: nonsense.
Genome position (GRCh38, 1-based): chr13:32,319,119, C>A. VCF-style: chr13-32319119-C-A. GRCh37 (hg19) VCF-style: chr13-32893256-C-A.
Other names: 338C>A (S37X); short protein forms S37*.
Identifiers: ClinVar variation 266610 (VCV000266610.5), dbSNP rs886040346, ClinGen allele CA10589009.
Genomic context (GRCh38, chr13:32,319,119, plus strand): 5'-GATTTTTTTTTTAAATAGATTTAGGACCAATAAGTCTTAATTGGTTTGAAGAACTTTCTT[C>A]AGAAGCTCCACCCTATAATTCTGAACCTGCAGAAGAATCTGAACATAAAAACAACAATTA-3'